The following is an entry in ClinVar:

ClinVar aggregate classification (germline): Benign/Likely benign. Review status: criteria provided, multiple submitters, no conflicts (2 of 4 stars). 3 submissions from 3 submitters: Benign (1); Likely benign (2). Last evaluated 2026-02-01.

Conditions:
Hereditary cancer-predisposing syndrome. Also called: Tumor predisposition; Hereditary Cancer Syndrome; Neoplastic Syndromes, Hereditary; Hereditary neoplastic syndrome. Identifiers: Orphanet 140162, MedGen C0027672, MeSH D009386, MONDO:0015356.
Neuroblastoma, susceptibility to, 3. Also called: ALK-Related Neuroblastic Tumor Susceptibility. Identifiers: Orphanet 635, MedGen C2751681, MONDO:0013083, OMIM 613014.

Allele frequency attached by ClinVar (database versions not stated): gnomAD 0.00003 and 0.00004; gnomAD exomes 0.00004 and 0.00012; ESP Exome Variant Server 0.00008; ExAC 0.00013; TOPMed 0.00013.
gnomAD v4.1: 64 of 1,613,304 alleles (0.004%); highest among the groups gnomAD compares: East Asian, 0.085%; no homozygotes.

Submissions (3):

Labcorp Genetics (formerly Invitae), Labcorp
Classification: Likely benign for Neuroblastoma, susceptibility to, 3. Last evaluated: 2026-02-01. Review status: criteria provided, single submitter. Criteria: Invitae Variant Classification Sherloc (09022015). Collection method: clinical testing. Allele origin: germline.

Ambry Genetics
Classification: Benign for Hereditary cancer-predisposing syndrome. Last evaluated: 2024-06-25. Review status: criteria provided, single submitter. Criteria: Ambry Variant Classification Scheme 2023. Collection method: clinical testing. Allele origin: germline.

Illumina Laboratory Services, Illumina
Classification: Likely benign for Neuroblastoma, susceptibility to, 3. Last evaluated: 2018-01-12. Review status: criteria provided, single submitter. Criteria: ICSL Variant Classification Criteria 13 December 2019. Collection method: clinical testing. Allele origin: germline.
Comment: This variant was observed in the ICSL laboratory as part of a predisposition screen in an ostensibly healthy population. It had not been previously curated by ICSL or reported in the Human Gene Mutation Database (HGMD: prior to June 1st, 2018), and was therefore a candidate for classification through an automated scoring system. Utilizing variant allele frequency, disease prevalence and penetrance estimates, and inheritance mode, an automated score was calculated to assess if this variant is too frequent to cause the disease. Based on the score and internal cut-off values, a variant classified as likely benign is not then subjected to further curation. The score for this variant resulted in a classification of likely benign for this disease.

NM_004304.5(ALK):c.2210C>T (p.Ser737Leu)

Gene: ALK (ALK receptor tyrosine kinase; minus strand). Cytogenetic location: 2p23.2.
Variant type: single nucleotide variant.
Coding change: c.2210C>T on transcript NM_004304.5 (MANE Select); coding-DNA position 2210, C replaced by T.
Protein change: p.Ser737Leu; replaces serine 737 with leucine.
Molecular consequence: missense variant.
Genome position (GRCh38, 1-based): chr2:29,239,825, G>A on the plus strand (C>T on the coding strand, the complement: ALK is on the minus strand). VCF-style: chr2-29239825-G-A. GRCh37 (hg19) VCF-style: chr2-29462691-G-A.
Other names: short protein forms S737L.
Identifiers: ClinVar variation 335703 (VCV000335703.16), dbSNP rs368581969, ClinGen allele CA1594388.